The following is an entry in ClinVar:

ClinVar aggregate classification (germline): Pathogenic (1 of 4 stars; one submission).

Conditions:
Primary ciliary dyskinesia 5. Also called: CILIARY DYSKINESIA, PRIMARY, 5, WITHOUT SITUS INVERSUS. Identifiers: Orphanet 244, MedGen C1837615, MONDO:0012088, OMIM 608647.

Submission:

Genomics, Clalit Research Institute, Clalit Health Care
Classification: Pathogenic for Primary ciliary dyskinesia 5. Last evaluated: 2025-07-22. Review status: criteria provided, single submitter. Criteria: ACMG Guidelines, 2015. Collection method: clinical testing. Allele origin: germline. Inheritance: Autosomal recessive inheritance. Affected: yes. Observed: 3 compound heterozygotes, 1 homozygote. Clinical features observed: Chronic sinusitis (HP:0011109), Bronchiectasis (HP:0002110), Sinusitis (HP:0000246), Primary ciliary dyskinesia (HP:0012265).
Comment: Note: This variant is found in a homologous region (99.3% homology with another region). Inheritance: The variant was identified in the Homozygous state in 1 sample, or in the Heterozygous state with another VUS in 3 other samples (PM3_support). This was clearly visible despite the homology. Frequency: The variant is absent from the gnomAD reference population dataset (PM2_support). Variant type: Frameshift, predicted to lead to nonsense mediated decay, in a gene where LOF is a known mechanism of disease (PVS1). Clinical evidence: To date, the variant has not been described by reputable sources or in the primary literature. In conclusion, we classify this variant as pathogenic (pm2_support, pvs1, pm3_support).

NM_001270974.2(HYDIN):c.2616_2617insTGGCACTGAC (p.Leu873delinsTrpHisTer)

Gene: HYDIN (HYDIN axonemal central pair apparatus protein; minus strand). Cytogenetic location: 16q22.2.
Variant type: Insertion.
Coding change: c.2616_2617insTGGCACTGAC on transcript NM_001270974.2 (MANE Select); coding-DNA positions 2616 to 2617, TGGCACTGAC inserted.
Protein change: p.Leu873delinsTrpHisTer.
Molecular consequence: nonsense.
Genome position: GRCh38 VCF-style: chr16-71031830-G-GGTCAGTGCCA. GRCh37 (hg19) VCF-style: chr16-71065733-G-GGTCAGTGCCA.
Other names: c.2697_2698insTGGCACTGAC, p.Leu900delinsTrpHisTer (NM_001198542.1); c.2667_2668insTGGCACTGAC, p.Leu890delinsTrpHisTer (NM_001198543.1); c.2616_2617insTGGCACTGAC, p.Leu873delinsTrpHisTer (NM_017558.5).
Identifiers: ClinVar variation 4073579 (VCV004073579.1).